The following is an entry in ClinVar:

ClinVar aggregate classification (germline): Benign (1 of 4 stars; one submission).

Conditions:
Porphobilinogen synthase deficiency. Also called: ALAD DEFICIENCY; DELTA-AMINOLEVULINATE DEHYDRATASE DEFICIENCY; DOSS PORPHYRIA; PORPHYRIA, ALAD; Porphyria due to ALA dehydratase deficiency. Identifiers: Orphanet 100924, MedGen C0268328, MONDO:0013000, OMIM 612740.

Allele frequency attached by ClinVar (database versions not stated): TOPMed 0.00031; gnomAD 0.00046 and 0.00033; 1000 Genomes Project 30x 0.00328; 1000 Genomes Project 0.00359.

Submission:

Illumina Laboratory Services, Illumina
Classification: Benign for Porphobilinogen synthase deficiency. Last evaluated: 2018-01-12. Review status: criteria provided, single submitter. Criteria: ICSL Variant Classification Criteria 13 December 2019. Collection method: clinical testing. Allele origin: germline.
Comment: This variant was observed in the ICSL laboratory as part of a predisposition screen in an ostensibly healthy population. It had not been previously curated by ICSL or reported in the Human Gene Mutation Database (HGMD: prior to June 1st, 2018), and was therefore a candidate for classification through an automated scoring system. Utilizing variant allele frequency, disease prevalence and penetrance estimates, and inheritance mode, an automated score was calculated to assess if this variant is too frequent to cause the disease. Based on the score and internal cut-off values, a variant classified as benign is not then subjected to further curation. The score for this variant resulted in a classification of benign for this disease.

NM_000031.6(ALAD):c.*813A>G

Gene: ALAD (aminolevulinate dehydratase; minus strand). Cytogenetic location: 9q32.
Variant type: single nucleotide variant.
Coding change: c.*813A>G on transcript NM_000031.6 (MANE Select); 813 bases downstream of the stop codon, A replaced by G.
Molecular consequence: 3 prime UTR variant.
Genome position (GRCh38, 1-based): chr9:113,387,487, T>C on the plus strand (A>G on the coding strand, the complement: ALAD is on the minus strand). VCF-style: chr9-113387487-T-C. GRCh37 (hg19) VCF-style: chr9-116149767-T-C.
Other names: c.*813A>G (NM_001003945.3, NM_001317745.2).
Identifiers: ClinVar variation 364629 (VCV000364629.5), dbSNP rs138705750, ClinGen allele CA10632278.